The following is an entry in ClinVar:

ClinVar aggregate classification (germline): Likely benign. Review status: criteria provided, multiple submitters, no conflicts (2 of 4 stars). 5 submissions from 5 submitters: Likely benign (4). 1 of the submissions does not count toward it. Last evaluated 2026-01-31.

Conditions:
TPP1-related disorder. Also called: TPP1-related condition.

Allele frequency attached by ClinVar (database versions not stated): ExAC 0.00002; gnomAD 0.00006; TOPMed 0.00011; ESP Exome Variant Server 0.00015.
gnomAD v4.1: 24 of 1,613,692 alleles (0.0015%); highest among the groups gnomAD compares: African/African-American, 0.019%; no homozygotes.

Submissions (5):

Labcorp Genetics (formerly Invitae), Labcorp
Classification: Likely benign. Last evaluated: 2026-01-31. Review status: criteria provided, single submitter. Criteria: Invitae Variant Classification Sherloc (09022015). Collection method: clinical testing. Allele origin: germline.

Women's Health and Genetics/Laboratory Corporation of America, LabCorp
Classification: Likely benign. Last evaluated: 2025-03-25. Review status: criteria provided, single submitter. Criteria: LabCorp Variant Classification Summary - May 2015. Collection method: clinical testing. Allele origin: germline.

Blueprint Genetics
Classification: Likely benign. Last evaluated: 2023-05-09. Review status: criteria provided, single submitter. Criteria: ACMG Guidelines, 2015. Collection method: clinical testing. Allele origin: germline.

GeneDx
Classification: Likely benign. Last evaluated: 2017-03-28. Review status: criteria provided, single submitter. Criteria: GeneDx Variant Classification (06012015). Collection method: clinical testing. Allele origin: germline. Affected: yes.
Comment: This variant is considered likely benign or benign based on one or more of the following criteria: it is a conservative change, it occurs at a poorly conserved position in the protein, it is predicted to be benign by multiple in silico algorithms, and/or has population frequency not consistent with disease.

PreventionGenetics, part of Exact Sciences
Classification: Likely benign for TPP1-related condition. Last evaluated: 2019-08-02. Review status: no assertion criteria provided. Collection method: clinical testing. Allele origin: germline. Not counted in ClinVar's aggregate classification.
Comment: This variant is classified as likely benign based on ACMG/AMP sequence variant interpretation guidelines (Richards et al. 2015 PMID: 25741868, with internal and published modifications).

NM_000391.4(TPP1):c.741C>T (p.Phe247=)

Gene: TPP1 (tripeptidyl peptidase 1; minus strand). Cytogenetic location: 11p15.4.
Variant type: single nucleotide variant.
Coding change: c.741C>T on transcript NM_000391.4 (MANE Select); coding-DNA position 741, C replaced by T.
Protein change: p.Phe247=; no amino-acid change (phenylalanine 247 retained).
Molecular consequence: synonymous variant.
Genome position (GRCh38, 1-based): chr11:6,616,806, G>A on the plus strand (C>T on the coding strand, the complement: TPP1 is on the minus strand). VCF-style: chr11-6616806-G-A. GRCh37 (hg19) VCF-style: chr11-6638037-G-A.
Identifiers: ClinVar variation 512593 (VCV000512593.14), dbSNP rs372817942, ClinGen allele CA5858848.